The following is an entry in ClinVar:

NM_024675.4(PALB2):c.-19dup

Gene: PALB2 (partner and localizer of BRCA2; minus strand). Cytogenetic location: 16p12.2.
Variant type: Duplication.
Coding change: c.-19dup on transcript NM_024675.4 (MANE Select); 19 bases upstream of the start codon, one base duplicated (T; older notation c.-19dupT).
Molecular consequence: 5 prime UTR variant.
Genome position (GRCh38, 1-based): chr16:23,641,176, A duplicated on the plus strand (T on the coding strand, the reverse complement: PALB2 is on the minus strand); the first of 4 consecutive A bases (chr16:23,641,176-23,641,179); duplicating any one gives the same sequence. VCF-style (leftmost placement, unchanged base first): chr16-23641175-G-GA. GRCh37 (hg19) VCF-style: chr16-23652496-G-GA.
Other names: c.-19dupT (NM_024675.3).
Identifiers: ClinVar variation 422307 (VCV000422307.1), dbSNP rs1040725416, ClinGen allele CA16620167.

ClinVar aggregate classification (germline): Likely benign (1 of 4 stars; one submission).

Submission:

GeneDx
Classification: Likely benign. Last evaluated: 2016-09-20. Review status: criteria provided, single submitter. Criteria: GeneDx Variant Classification (06012015). Collection method: clinical testing. Allele origin: germline. Affected: yes.
Comment: This variant is considered likely benign or benign based on one or more of the following criteria: it is a conservative change, it occurs at a poorly conserved position in the protein, it is predicted to be benign by multiple in silico algorithms, and/or has population frequency not consistent with disease.